The following is an entry in ClinVar:

ClinVar aggregate classification (germline): Uncertain significance (1 of 4 stars; one submission).

Allele frequency attached by ClinVar (database versions not stated): gnomAD exomes below 0.00001.
gnomAD v4.1: 1 of 1,614,232 alleles (0.000062%); highest among the groups gnomAD compares: Non-Finnish European, 0.000085%; no homozygotes.

Submission:

Labcorp Genetics (formerly Invitae), Labcorp
Classification: Uncertain significance. Last evaluated: 2022-09-13. Review status: criteria provided, single submitter. Criteria: Invitae Variant Classification Sherloc (09022015). Collection method: clinical testing. Allele origin: germline.
Comment: In summary, the available evidence is currently insufficient to determine the role of this variant in disease. Therefore, it has been classified as a Variant of Uncertain Significance. This sequence change replaces serine, which is neutral and polar, with phenylalanine, which is neutral and non-polar, at codon 198 of the TPI1 protein (p.Ser198Phe). This variant is not present in population databases (gnomAD no frequency). This variant has not been reported in the literature in individuals affected with TPI1-related conditions. Algorithms developed to predict the effect of missense changes on protein structure and function are either unavailable or do not agree on the potential impact of this missense change (SIFT: "Deleterious"; PolyPhen-2: "Probably Damaging"; Align-GVGD: "Class C0").

NM_000365.6(TPI1):c.593C>T (p.Ser198Phe)

Gene: TPI1 (triosephosphate isomerase 1; plus strand). Cytogenetic location: 12p13.31.
Variant type: single nucleotide variant.
Coding change: c.593C>T on transcript NM_000365.6 (MANE Select); coding-DNA position 593, C replaced by T.
Protein change: p.Ser198Phe; replaces serine 198 with phenylalanine.
Molecular consequence: missense variant.
Genome position (GRCh38, 1-based): chr12:6,870,098, C>T. VCF-style: chr12-6870098-C-T. GRCh37 (hg19) VCF-style: chr12-6979262-C-T.
Other names: c.704C>T, p.Ser235Phe (NM_001159287.1); c.347C>T, p.Ser116Phe (NM_001258026.2); short protein forms S116F, S235F, S198F.
Identifiers: ClinVar variation 2006180 (VCV002006180.4), dbSNP rs2542453030, ClinGen allele CA383712971.